The following is an entry in ClinVar:

NM_005631.5(SMO):c.845_848del (p.Leu282fs)

Gene: SMO (smoothened, frizzled class receptor; plus strand). Cytogenetic location: 7q32.1.
Variant type: Microsatellite.
Coding change: c.845_848del on transcript NM_005631.5 (MANE Select); coding-DNA positions 845 to 848, 4 bases deleted (TGGC; older notation c.845_848delTGGC).
Protein change: p.Leu282fs; shifts the reading frame from leucine 282.
Molecular consequence: frameshift variant.
Genome position (GRCh38, 1-based): chr7:129,205,707-129,205,710, TGGC deleted; deleting any 4 consecutive bases within chr7:129,205,699-129,205,710 gives the same sequence; the c. name uses the placement nearest the transcript's 3' end. VCF-style (leftmost placement, unchanged base first): chr7-129205698-TTGGC-T. GRCh37 (hg19) VCF-style: chr7-128845539-TTGGC-T.
Other names: short protein forms L282fs.
Identifiers: ClinVar variation 3372254 (VCV003372254.1).

ClinVar aggregate classification (germline): Uncertain significance (1 of 4 stars; one submission).

Submission:

GeneDx
Classification: Uncertain significance. Last evaluated: 2024-04-12. Review status: criteria provided, single submitter. Criteria: GeneDx Variant Classification Process June 2021. Collection method: clinical testing. Allele origin: germline. Affected: yes.
Comment: Not observed at significant frequency in large population cohorts (gnomAD); Frameshift variant predicted to result in protein truncation or nonsense mediated decay in a gene or region of a gene for which loss of function is not a well-established mechanism of disease; Has not been previously published as pathogenic or benign to our knowledge